The following is an entry in ClinVar:

NM_000179.3(MSH6):c.1496T>C (p.Met499Thr)

Gene: MSH6 (mutS homolog 6; plus strand). Cytogenetic location: 2p16.3.
Variant type: single nucleotide variant.
Coding change: c.1496T>C on transcript NM_000179.3 (MANE Select); coding-DNA position 1496, T replaced by C.
Protein change: p.Met499Thr; replaces methionine 499 with threonine.
Molecular consequence: missense variant.
Genome position (GRCh38, 1-based): chr2:47,799,479, T>C. VCF-style: chr2-47799479-T-C. GRCh37 (hg19) VCF-style: chr2-48026618-T-C.
Other names: c.1106T>C, p.Met369Thr (NM_001281492.2); c.590T>C, p.Met197Thr (NM_001281493.2, NM_001281494.2); short protein forms M197T, M369T, M499T.
Identifiers: ClinVar variation 663528 (VCV000663528.9), dbSNP rs1572723206, ClinGen allele CA346746160.
Genomic context (GRCh38, chr2:47,799,479, plus strand): 5'-AAGTAGCACGAGTGGAACAGACTGAGACTCCAGAAATGATGGAGGCACGATGTAGAAAGA[T>C]GGCACATATATCCAAGTATGATAGAGTGGTGAGGAGGGAGATCTGTAGGATCATTACCAA-3'
Protein context (NP_000170.1, residues 489-509): PEMMEARCRK[Met499Thr]AHISKYDRVV

ClinVar aggregate classification (germline): Uncertain significance (1 of 4 stars; one submission).

Conditions:
Hereditary nonpolyposis colorectal neoplasms. Identifiers: MedGen C0009405, MeSH D003123.

Allele frequency attached by ClinVar (database versions not stated): gnomAD exomes below 0.00001.
gnomAD v4.1: 2 of 1,614,110 alleles (0.00012%); highest among the groups gnomAD compares: Non-Finnish European, 0.00017%; no homozygotes.

Submission:

Labcorp Genetics (formerly Invitae), Labcorp
Classification: Uncertain significance for Hereditary nonpolyposis colorectal neoplasms. Last evaluated: 2018-12-01. Review status: criteria provided, single submitter. Criteria: Invitae Variant Classification Sherloc (09022015). Collection method: clinical testing. Allele origin: germline.
Comment: This variant is not present in population databases (ExAC no frequency). This sequence change replaces methionine with threonine at codon 499 of the MSH6 protein (p.Met499Thr). The methionine residue is weakly conserved and there is a moderate physicochemical difference between methionine and threonine. This variant has not been reported in the literature in individuals with MSH6-related conditions. In summary, the available evidence is currently insufficient to determine the role of this variant in disease. Therefore, it has been classified as a Variant of Uncertain Significance. Algorithms developed to predict the effect of missense changes on protein structure and function are either unavailable or do not agree on the potential impact of this missense change (SIFT: "Tolerated"; PolyPhen-2: "Possibly Damaging"; Align-GVGD: "Class C0").